The following is an entry in ClinVar:

ClinVar aggregate classification (germline): Uncertain significance (1 of 4 stars; one submission).

Conditions:
Hereditary cancer-predisposing syndrome. Also called: Hereditary Cancer Syndrome; Hereditary neoplastic syndrome; Tumor predisposition; Neoplastic Syndromes, Hereditary. Identifiers: Orphanet 140162, MedGen C0027672, MeSH D009386, MONDO:0015356.

Submission:

Ambry Genetics
Classification: Uncertain significance for Hereditary cancer-predisposing syndrome. Last evaluated: 2021-09-30. Review status: criteria provided, single submitter. Criteria: Ambry Variant Classification Scheme 2023. Collection method: clinical testing. Allele origin: germline.
Comment: The p.L8V variant (also known as c.22C>G), located in coding exon 1 of the FANCC gene, results from a C to G substitution at nucleotide position 22. The leucine at codon 8 is replaced by valine, an amino acid with highly similar properties. This amino acid position is conserved. In addition, this alteration is predicted to be tolerated by in silico analysis. Since supporting evidence is limited at this time, the clinical significance of this alteration remains unclear.

NM_000136.3(FANCC):c.22C>G (p.Leu8Val)

Gene: FANCC (FA complementation group C; minus strand). Cytogenetic location: 9q22.32.
Variant type: single nucleotide variant.
Coding change: c.22C>G on transcript NM_000136.3 (MANE Select); coding-DNA position 22, C replaced by G.
Protein change: p.Leu8Val; replaces leucine 8 with valine.
Molecular consequence: missense variant.
Genome position (GRCh38, 1-based): chr9:95,249,270, G>C on the plus strand (C>G on the coding strand, the complement: FANCC is on the minus strand). VCF-style: chr9-95249270-G-C. GRCh37 (hg19) VCF-style: chr9-98011552-G-C.
Other names: c.22C>G, p.Leu8Val (NM_001243743.2, NM_001243744.2); short protein forms L8V.
Identifiers: ClinVar variation 1789256 (VCV001789256.2), dbSNP rs2542863725, ClinGen allele CA374340508.